The following is an entry in ClinVar:

NM_003072.5(SMARCA4):c.2274+8del

Gene: SMARCA4 (SWI/SNF related BAF chromatin remodeling complex subunit ATPase 4; plus strand). Cytogenetic location: 19p13.2.
Variant type: Deletion.
Coding change: c.2274+8del on transcript NM_003072.5 (MANE Select); 8 bases into the intron after coding-DNA position 2274, one base deleted (A; older notation c.2274+8delA).
Molecular consequence: intron variant.
Genome position (GRCh38, 1-based): chr19:11,010,539, A deleted. VCF-style (leftmost placement, unchanged base first): chr19-11010538-TA-T. GRCh37 (hg19) VCF-style: chr19-11121214-TA-T.
Other names: c.2274+8del (NM_001128844.3, NM_001128849.3, NM_001128847.4 and 5 more transcripts).
Identifiers: ClinVar variation 749513 (VCV000749513.34), dbSNP rs752010847, ClinGen allele CA9204040.

ClinVar aggregate classification (germline): Likely benign. Review status: criteria provided, multiple submitters, no conflicts (2 of 4 stars). 2 submissions from 2 submitters: Likely benign (2). Last evaluated 2025-06-15.

Conditions:
Rhabdoid tumor predisposition syndrome 2 (RTPS2). Identifiers: Orphanet 231108, Orphanet 69077, MedGen C2750074, MONDO:0013224, OMIM 613325.

Allele frequency attached by ClinVar (database versions not stated): gnomAD exomes below 0.00001; ExAC 0.00001; gnomAD 0.00001; 1000 Genomes Project 30x 0.00016.

Submissions (2):

Labcorp Genetics (formerly Invitae), Labcorp
Classification: Likely benign for Rhabdoid tumor predisposition syndrome 2. Last evaluated: 2025-06-15. Review status: criteria provided, single submitter. Criteria: Invitae Variant Classification Sherloc (09022015). Collection method: clinical testing. Allele origin: germline.

CeGaT Center for Human Genetics Tuebingen
Classification: Likely benign. Last evaluated: 2022-08-01. Review status: criteria provided, single submitter. Criteria: CeGaT Center For Human Genetics Tuebingen Variant Classification Criteria Version 2. Collection method: clinical testing. Allele origin: germline. Affected: yes. Observed: 1 variant allele.
Comment: SMARCA4: BP4, BS2